The following is an entry in ClinVar:

NM_001124758.3(SPNS2):c.1607+9G>C

Gene: SPNS2 (SPNS lysolipid transporter 2, sphingosine-1-phosphate; plus strand). Cytogenetic location: 17p13.2.
Variant type: single nucleotide variant.
Coding change: c.1607+9G>C on transcript NM_001124758.3 (MANE Select); 9 bases into the intron after coding-DNA position 1607, G replaced by C.
Molecular consequence: intron variant.
Genome position (GRCh38, 1-based): chr17:4,536,435, G>C. VCF-style: chr17-4536435-G-C. GRCh37 (hg19) VCF-style: chr17-4439730-G-C.
Identifiers: ClinVar variation 3050692 (VCV003050692.2), dbSNP rs202095554, ClinGen allele CA8303528.

ClinVar aggregate classification (germline): Likely benign (0 of 4 stars; one submission).

Conditions:
SPNS2-related disorder. Also called: SPNS2-related condition.

gnomAD v4.1: 1,894 of 1,592,042 alleles (0.12%); highest among the groups gnomAD compares: Middle Eastern, 0.8%; 11 homozygotes.

Submission:

PreventionGenetics, part of Exact Sciences
Classification: Likely benign for SPNS2-related condition. Last evaluated: 2020-01-07. Review status: no assertion criteria provided. Collection method: clinical testing. Allele origin: germline.
Comment: This variant is classified as likely benign based on ACMG/AMP sequence variant interpretation guidelines (Richards et al. 2015 PMID: 25741868, with internal and published modifications).